The following is an entry in ClinVar:

NM_020207.7(ERCC6L2):c.1870A>G (p.Arg624Gly)

Gene: ERCC6L2 (ERCC excision repair 6 like 2; plus strand). Cytogenetic location: 9q22.32.
Variant type: single nucleotide variant.
Coding change: c.1870A>G on transcript NM_020207.7 (MANE Select); coding-DNA position 1870, A replaced by G.
Protein change: p.Arg624Gly; replaces arginine 624 with glycine.
Molecular consequence: missense variant. On other transcripts: non-coding transcript variant (1).
Genome position (GRCh38, 1-based): chr9:95,955,936, A>G. VCF-style: chr9-95955936-A-G. GRCh37 (hg19) VCF-style: chr9-98718218-A-G.
Other names: c.1870A>G, p.Arg624Gly (NM_001010895.4, NM_001375291.1, NM_001375292.1 and 2 more transcripts); short protein forms R624G.
Identifiers: ClinVar variation 4019376 (VCV004019376.1).
Genomic context (GRCh38, chr9:95,955,936, plus strand): 5'-TCACTTGATTTTTGTTTGTATTTTTAATCCTTTTACAGAGCATATAGGATTGGACAATGT[A>G]GAGATGTCAAAGTGCTTAGGCTGATATCCTTGGGAACTGTGGAGGAAATCATGTATTTAC-3'
Protein context (NP_064592.3, residues 614-634): IDRAYRIGQC[Arg624Gly]DVKVLRLISL

ClinVar aggregate classification (germline): Uncertain significance (1 of 4 stars; one submission).

Conditions:
Inborn genetic diseases. Identifiers: MedGen C0950123, MeSH D030342.

Submission:

Ambry Genetics
Classification: Uncertain significance for Inborn genetic diseases. Last evaluated: 2025-05-23. Review status: criteria provided, single submitter. Criteria: Ambry Variant Classification Scheme 2023. Collection method: clinical testing. Allele origin: germline.
Comment: The p.R624G variant (also known as c.1870A>G), located in coding exon 13 of the ERCC6L2 gene, results from an A to G substitution at nucleotide position 1870. The arginine at codon 624 is replaced by glycine, an amino acid with dissimilar properties. This amino acid position is conserved. In addition, this alteration is predicted to be deleterious by in silico analysis. Based on the available evidence, the clinical significance of this variant remains unclear.